The following is an entry in ClinVar:

NM_000218.3(KCNQ1):c.1394-8622G>A

Genes: KCNQ1 (potassium voltage-gated channel subfamily Q member 1; plus strand), KCNQ1OT1 (KCNQ1 opposite strand/antisense transcript 1; minus strand). Cytogenetic location: 11p15.5.
Variant type: single nucleotide variant.
Coding change: c.1394-8622G>A on transcript NM_000218.3 (MANE Select); 8622 bases into the intron before coding-DNA position 1394, G replaced by A.
Molecular consequence: intron variant. On other transcripts: non-coding transcript variant (1).
Genome position (GRCh38, 1-based): chr11:2,653,339, G>A. VCF-style: chr11-2653339-G-A. GRCh37 (hg19) VCF-style: chr11-2674569-G-A.
Other names: c.1124-8622G>A (NM_001406837.1); c.1298-8622G>A (NM_001406836.1); c.854-8622G>A (NM_001406838.1); c.1013-8622G>A (NM_181798.2).
Identifiers: ClinVar variation 4084867 (VCV004084867.8).

ClinVar aggregate classification (germline): Benign (1 of 4 stars; one submission).

gnomAD v4.1: 584 of 398,734 alleles (0.15%); highest among the groups gnomAD compares: African/African-American, 1%; 3 homozygotes.

Submission:

CeGaT Center for Human Genetics Tuebingen
Classification: Benign. Last evaluated: 2026-06-01. Review status: criteria provided, single submitter. Criteria: CeGaT Center For Human Genetics Tuebingen Variant Classification Criteria Version 2. Collection method: clinical testing. Allele origin: germline. Affected: yes. Observed: 4 variant alleles.
Comment: KCNQ1OT1: BS1, BS2